The following is an entry in ClinVar:

NM_000214.3(JAG1):c.2084dup (p.Asn695fs)

Gene: JAG1 (jagged canonical Notch ligand 1; minus strand). Cytogenetic location: 20p12.2.
Variant type: Duplication.
Coding change: c.2084dup on transcript NM_000214.3 (MANE Select); coding-DNA position 2084, one base duplicated (A; older notation c.2084dupA).
Protein change: p.Asn695fs; shifts the reading frame from asparagine 695.
Molecular consequence: frameshift variant.
Genome position (GRCh38, 1-based): chr20:10,645,385, T duplicated on the plus strand (A on the coding strand, the reverse complement: JAG1 is on the minus strand); the first of 5 consecutive T bases (chr20:10,645,385-10,645,389); duplicating any one gives the same sequence. VCF-style (leftmost placement, unchanged base first): chr20-10645384-A-AT. GRCh37 (hg19) VCF-style: chr20-10626032-A-AT.
Other names: short protein forms N695fs.
Identifiers: ClinVar variation 3662159 (VCV003662159.4).
Genomic context (GRCh38, chr20:10,645,384, plus strand): 5'-AGAGATAGCATCCAAGGCCAACTACCACTTACGTGAGTGGCAGGTCTTTCCTTTCCACCC[A>AT]TTTTTACAGTCACAGTAGAAGTCATTGACCAGGTCGCGACACGTGCCCCCATTGTGGCAG-3'

ClinVar aggregate classification (germline): Pathogenic. Review status: criteria provided, multiple submitters, no conflicts (2 of 4 stars). 3 submissions from 3 submitters: Pathogenic (3). Last evaluated 2025-09-10.

Conditions:
Alagille syndrome due to a JAG1 point mutation. Also called: HEPATIC DUCTULAR HYPOPLASIA, SYNDROMATIC; Alagille Syndrome 1; JAG1-Related Alagille Syndrome. Identifiers: Orphanet 261619, Orphanet 52, MedGen C1956125, MONDO:0016862, OMIM 118450.

Submissions (3):

Genomic Medicine Center of Excellence, King Faisal Specialist Hospital and Research Centre
Classification: Pathogenic for Alagille syndrome due to a JAG1 point mutation. Last evaluated: 2025-09-10. Review status: criteria provided, single submitter. Criteria: ACMG Guidelines, 2015. Collection method: clinical testing. Allele origin: germline.

Division of Genetic & Genomic Pathology, Hong Kong Children's Hospital
Classification: Pathogenic for Alagille syndrome due to a JAG1 point mutation. Last evaluated: 2024-08-20. Review status: criteria provided, single submitter. Criteria: ACMG Guidelines, 2015. Collection method: clinical testing. Allele origin: germline. Affected: yes.
Comment: JAG1 c.2084dup p.(Asn695Lysfs*12) is a 1-bp duplication variant in exon 16 (out of 26 exons). It causes frameshift and is predicted to result in loss of protein function by nonsense-mediated mRNA decay. JAG1 is curated as a gene with sufficient evidence for haploinsufficiency in ClinGen. This variant is absent in population control databases (gnomAD v4.1.0) and clinical databases (ClinVar and HGMD Professional 2024.2). For these reasons, the variant is classified as pathogenic.

Labcorp Genetics (formerly Invitae), Labcorp
Classification: Pathogenic for Alagille syndrome due to a JAG1 point mutation. Last evaluated: 2024-08-12. Review status: criteria provided, single submitter. Criteria: Invitae Variant Classification Sherloc (09022015). Collection method: clinical testing. Allele origin: germline.
Comment: This sequence change creates a premature translational stop signal (p.Asn695Lysfs*12) in the JAG1 gene. It is expected to result in an absent or disrupted protein product. Loss-of-function variants in JAG1 are known to be pathogenic (PMID: 11180599). This variant is not present in population databases (gnomAD no frequency). This variant has not been reported in the literature in individuals affected with JAG1-related conditions. For these reasons, this variant has been classified as Pathogenic.

Literature cited by the submitters: PubMed 11180599 (cited by Labcorp Genetics (formerly Invitae), Labcorp).